The following is an entry in ClinVar:

ClinVar aggregate classification (germline): Likely benign. Review status: criteria provided, multiple submitters, no conflicts (2 of 4 stars). 2 submissions from 2 submitters: Likely benign (2). Last evaluated 2022-03-01.

Allele frequency attached by ClinVar (database versions not stated): ExAC 0.00011; gnomAD exomes 0.00014; 1000 Genomes Project 30x 0.00016; gnomAD 0.00016; TOPMed 0.00017; 1000 Genomes Project 0.00020; ESP Exome Variant Server 0.00024.

Submissions (2):

CeGaT Center for Human Genetics Tuebingen
Classification: Likely benign. Last evaluated: 2022-03-01. Review status: criteria provided, single submitter. Criteria: CeGaT Center For Human Genetics Tuebingen Variant Classification Criteria Version 2. Collection method: clinical testing. Allele origin: germline. Affected: yes. Observed: 1 variant allele.
Comment: MUC16: BP4, BP7

Breakthrough Genomics
Classification: Likely benign. Review status: criteria provided, single submitter. Criteria: ACMG Guidelines, 2015. Collection method: not provided. Allele origin: germline. Inheritance: Unknown mechanism. Affected: yes.

NM_001401501.2(MUC16):c.44484C>T (p.Asn14828=)

Gene: MUC16 (mucin 16, cell surface associated; minus strand). Cytogenetic location: 19p13.2.
Variant type: single nucleotide variant.
Coding change: c.44484C>T on transcript NM_001401501.2 (MANE Select); coding-DNA position 44484, C replaced by T.
Protein change: p.Asn14828=; no amino-acid change (asparagine 14828 retained).
Molecular consequence: synonymous variant.
Genome position (GRCh38, 1-based): chr19:8,871,641, G>A on the plus strand (C>T on the coding strand, the complement: MUC16 is on the minus strand). VCF-style: chr19-8871641-G-A. GRCh37 (hg19) VCF-style: chr19-8982317-G-A.
Other names: c.44910C>T, p.Asn14970= (NM_001414686.1); c.44364C>T, p.Asn14788= (NM_001414687.1); c.41958C>T, p.Asn13986= (NM_024690.2).
Identifiers: ClinVar variation 2649218 (VCV002649218.25), dbSNP rs372141764, ClinGen allele CA9162557.